The following is an entry in ClinVar:

NM_006073.4(TRDN):c.1051+3A>T

Gene: TRDN (triadin; minus strand). Cytogenetic location: 6q22.31.
Variant type: single nucleotide variant.
Coding change: c.1051+3A>T on transcript NM_006073.4 (MANE Select); 3 bases into the intron after coding-DNA position 1051, A replaced by T.
Molecular consequence: intron variant.
Genome position (GRCh38, 1-based): chr6:123,438,060, T>A on the plus strand (A>T on the coding strand, the complement: TRDN is on the minus strand). VCF-style: chr6-123438060-T-A. GRCh37 (hg19) VCF-style: chr6-123759205-T-A.
Other names: c.1054+3A>T (NM_001251987.2).
Identifiers: ClinVar variation 1421583 (VCV001421583.4), dbSNP rs2114593121, ClinGen allele CA2573140526.

ClinVar aggregate classification (germline): Uncertain significance (1 of 4 stars; one submission).

Conditions:
Catecholaminergic polymorphic ventricular tachycardia 1. Also called: VENTRICULAR TACHYCARDIA, CATECHOLAMINERGIC POLYMORPHIC, 1, WITH OR WITHOUT ATRIAL DYSFUNCTION AND/OR DILATED CARDIOMYOPATHY; RYR2-Related Catecholaminergic Polymorphic Ventricular Tachycardia; VENTRICULAR TACHYCARDIA, STRESS-INDUCED POLYMORPHIC 1. Identifiers: Orphanet 3286, MedGen C1631597, MONDO:0011484, OMIM 604772.

Submission:

Labcorp Genetics (formerly Invitae), Labcorp
Classification: Uncertain significance for Catecholaminergic polymorphic ventricular tachycardia 1. Last evaluated: 2021-10-17. Review status: criteria provided, single submitter. Criteria: Invitae Variant Classification Sherloc (09022015). Collection method: clinical testing. Allele origin: germline.
Comment: This sequence change falls in intron 12 of the TRDN gene. It does not directly change the encoded amino acid sequence of the TRDN protein. It affects a nucleotide within the consensus splice site. This variant is not present in population databases (ExAC no frequency). This variant has not been reported in the literature in individuals affected with TRDN-related conditions. Variants that disrupt the consensus splice site are a relatively common cause of aberrant splicing (PMID: 17576681, 9536098). Algorithms developed to predict the effect of sequence changes on RNA splicing suggest that this variant may disrupt the consensus splice site. In summary, the available evidence is currently insufficient to determine the role of this variant in disease. Therefore, it has been classified as a Variant of Uncertain Significance.

Literature cited by the submitters: PubMed 17576681; PubMed 9536098.